The following is an entry in ClinVar:

NM_000245.4(MET):c.3095C>G (p.Ser1032Cys)

Gene: MET (MET proto-oncogene, receptor tyrosine kinase; plus strand). Cytogenetic location: 7q31.2.
Variant type: single nucleotide variant.
Coding change: c.3095C>G on transcript NM_000245.4 (MANE Select); coding-DNA position 3095, C replaced by G.
Protein change: p.Ser1032Cys; replaces serine 1032 with cysteine.
Molecular consequence: missense variant.
Genome position (GRCh38, 1-based): chr7:116,774,947, C>G. VCF-style: chr7-116774947-C-G. GRCh37 (hg19) VCF-style: chr7-116415001-C-G.
Other names: c.3149C>G, p.Ser1050Cys (NM_001127500.3); c.1805C>G, p.Ser602Cys (NM_001324402.2); short protein forms S602C, S1032C, S1050C.
Identifiers: ClinVar variation 1728151 (VCV001728151.2), dbSNP rs1201989602, ClinGen allele CA368988076.

ClinVar aggregate classification (germline): Uncertain significance (1 of 4 stars; one submission).

Conditions:
Hereditary cancer-predisposing syndrome. Also called: Tumor predisposition; Neoplastic Syndromes, Hereditary; Hereditary Cancer Syndrome; Hereditary neoplastic syndrome. Identifiers: Orphanet 140162, MedGen C0027672, MeSH D009386, MONDO:0015356.

Submission:

Ambry Genetics
Classification: Uncertain significance for Hereditary cancer-predisposing syndrome. Last evaluated: 2022-04-22. Review status: criteria provided, single submitter. Criteria: Ambry Variant Classification Scheme 2023. Collection method: clinical testing. Allele origin: germline.
Comment: The p.S1050C variant (also known as c.3149C>G), located in coding exon 14 of the MET gene, results from a C to G substitution at nucleotide position 3149. The serine at codon 1050 is replaced by cysteine, an amino acid with dissimilar properties. This amino acid position is conserved. In addition, this alteration is predicted to be deleterious by in silico analysis. Since supporting evidence is limited at this time, the clinical significance of this alteration remains unclear.